The following is an entry in ClinVar:

ClinVar aggregate classification (germline): Uncertain significance (1 of 4 stars; one submission).

Conditions:
Muscular dystrophy-dystroglycanopathy (congenital with impaired intellectual development), type B, 1. Also called: MUSCULAR DYSTROPHY, CONGENITAL, POMT1-RELATED; Muscular dystrophy-dystroglycanopathy (congenital with intellectual disability), type B1. Identifiers: MedGen C5436962, MONDO:0013159, OMIM 613155.
Autosomal recessive limb-girdle muscular dystrophy type 2K. Also called: MUSCULAR DYSTROPHY-DYSTROGLYCANOPATHY (LIMB-GIRDLE), TYPE C, 1; MUSCULAR DYSTROPHY, LIMB-GIRDLE, TYPE 2K. Identifiers: Orphanet 86812, MedGen C1836373, MONDO:0012248, OMIM 609308.
Walker-Warburg congenital muscular dystrophy. Also called: Muscular dystrophy-dystroglycanopathy, type A; Walker-Warburg syndrome. Identifiers: Orphanet 899, MedGen C0265221, MONDO:0000171.

Allele frequency attached by ClinVar (database versions not stated): TOPMed 0.00001.

Submission:

Labcorp Genetics (formerly Invitae), Labcorp
Classification: Uncertain significance for Muscular dystrophy-dystroglycanopathy (congenital with impaired intellectual development), type B, 1; Walker-Warburg congenital muscular dystrophy; Autosomal recessive limb-girdle muscular dystrophy type 2K. Last evaluated: 2022-11-01. Review status: criteria provided, single submitter. Criteria: Invitae Variant Classification Sherloc (09022015). Collection method: clinical testing. Allele origin: germline.
Comment: In summary, the available evidence is currently insufficient to determine the role of this variant in disease. Therefore, it has been classified as a Variant of Uncertain Significance. Algorithms developed to predict the effect of missense changes on protein structure and function output the following: SIFT: "Tolerated"; PolyPhen-2: "Benign"; Align-GVGD: "Class C0". The arginine amino acid residue is found in multiple mammalian species, which suggests that this missense change does not adversely affect protein function. ClinVar contains an entry for this variant (Variation ID: 1047369). This variant has not been reported in the literature in individuals affected with POMT1-related conditions. This variant is present in population databases (no rsID available, gnomAD 0.007%). This sequence change replaces serine, which is neutral and polar, with arginine, which is basic and polar, at codon 180 of the POMT1 protein (p.Ser180Arg).

NM_001077365.2(POMT1):c.538A>C (p.Ser180Arg)

Gene: POMT1 (protein O-mannosyltransferase 1; plus strand). Cytogenetic location: 9q34.13.
Variant type: single nucleotide variant.
Coding change: c.538A>C on transcript NM_001077365.2 (MANE Select); coding-DNA position 538, A replaced by C.
Protein change: p.Ser180Arg; replaces serine 180 with arginine.
Molecular consequence: missense variant. On other transcripts: non-coding transcript variant (8).
Genome position (GRCh38, 1-based): chr9:131,509,021, A>C. VCF-style: chr9-131509021-A-C. GRCh37 (hg19) VCF-style: chr9-134384408-A-C.
Other names: c.376A>C, p.Ser126Arg (NM_001077366.2, NM_001353194.2, NM_001353197.2 and 3 more transcripts); c.538A>C, p.Ser180Arg (NM_001136113.2, NM_001353193.2, NM_001374690.1 and 1 more transcripts); c.187A>C, p.Ser63Arg (NM_001136114.2, NM_001353195.2, NM_001353199.2 and 2 more transcripts); c.448A>C, p.Ser150Arg (NM_001353196.2); c.82A>C, p.Ser28Arg (NM_001353200.2, NM_001374695.1); short protein forms S28R, S126R, S63R, S150R, S180R.
Identifiers: ClinVar variation 1047369 (VCV001047369.9), dbSNP rs770239141, ClinGen allele CA375307108.